The following is an entry in ClinVar:

NM_020975.6(RET):c.3052C>T (p.Leu1018Phe)

Gene: RET (ret proto-oncogene; plus strand). Cytogenetic location: 10q11.21.
Variant type: single nucleotide variant.
Coding change: c.3052C>T on transcript NM_020975.6 (MANE Select); coding-DNA position 3052, C replaced by T.
Protein change: p.Leu1018Phe; replaces leucine 1018 with phenylalanine.
Molecular consequence: missense variant.
Genome position (GRCh38, 1-based): chr10:43,126,587, C>T. VCF-style: chr10-43126587-C-T. GRCh37 (hg19) VCF-style: chr10-43622035-C-T.
Other names: c.3052C>T, p.Leu1018Phe (NM_000323.2, NM_001406743.1, NM_001406744.1 and 4 more transcripts); c.2290C>T, p.Leu764Phe (NM_001355216.2); c.2923C>T, p.Leu975Phe (NM_001406761.1, NM_001406762.1, NM_001406764.1); c.2917C>T, p.Leu973Phe (NM_001406763.1, NM_001406765.1); c.2764C>T, p.Leu922Phe (NM_001406766.1, NM_001406767.1, NM_001406770.1); c.2788C>T, p.Leu930Phe (NM_001406768.1); c.2656C>T, p.Leu886Phe (NM_001406769.1, NM_001406772.1); c.2614C>T, p.Leu872Phe (NM_001406771.1, NM_001406773.1); and 10 more; short protein forms L1018F, L764F, L535F, L583F, L623F, L674F, L676F, L679F.
Identifiers: ClinVar variation 543741 (VCV000543741.27), dbSNP rs766330880, ClinGen allele CA042397.

ClinVar aggregate classification (germline): Conflicting classifications of pathogenicity. Review status: criteria provided, conflicting classifications (1 of 4 stars). 14 submissions from 11 submitters: Uncertain significance (12); Likely benign (2). Last evaluated 2026-09-04.

Conditions:
Multiple endocrine neoplasia, type 2 (MEN2). Identifiers: Orphanet 653, MedGen C4048306, MONDO:0019003. Disease mechanism: gain of function.
Hereditary cancer-predisposing syndrome. Also called: Neoplastic Syndromes, Hereditary; Hereditary Cancer Syndrome; Tumor predisposition; Hereditary neoplastic syndrome. Identifiers: Orphanet 140162, MedGen C0027672, MeSH D009386, MONDO:0015356.
RET-related disorder. Also called: RET-related disorders; RET-related condition; RET-related disease.
Hirschsprung disease, susceptibility to, 1 (HSCR1). Also called: RET-Related Hirschsprung Disease. Identifiers: Orphanet 388, MedGen C3888239, MONDO:0007723, OMIM 142623.
Multiple endocrine neoplasia. Identifiers: Orphanet 276161, MedGen C0027662, MONDO:0017169.
Multiple endocrine neoplasia type 2A. Also called: MULTIPLE ENDOCRINE NEOPLASIA, TYPE IIA; PTC SYNDROME; SIPPLE SYNDROME; MEN 2A; MEN-2A syndrome; Pheochromocytoma and amyloid producing medullary thyroid carcinoma. Identifiers: Orphanet 247698, Orphanet 653, MedGen C0025268, MeSH D018813, MONDO:0008234, OMIM 171400.
Pheochromocytoma. Also called: MAX-Related Hereditary Paraganglioma-Pheochromocytoma Syndrome. Identifiers: Orphanet 29072, MedGen C0031511, MONDO:0008233, OMIM 171300, HP:0002666.
Renal hypodysplasia/aplasia 1 (RHDA1). Also called: HEREDITARY RENAL APLASIA; RENAL APLASIA. Identifiers: Orphanet 411709, MedGen C1619700, MONDO:0024519, OMIM 191830.

Allele frequency attached by ClinVar (database versions not stated): gnomAD 0.00001; TOPMed 0.00001; gnomAD exomes 0.00006; ExAC 0.00007.

Submissions (14):

PreventionGenetics, part of Exact Sciences
Classification: Uncertain significance for RET-related condition. Last evaluated: 2026-09-04. Review status: criteria provided, single submitter. Criteria: ACMG Guidelines, 2015. Collection method: clinical testing. Allele origin: germline.
Comment: The RET c.3052C>T variant is predicted to result in the amino acid substitution p.Leu1018Phe. This variant has been reported in the literature in an individual with medullary thyroid cancer (Qi et al. 2021. PubMed ID: 33827484). This variant is reported in 0.011% of alleles in individuals of European (Non-Finnish) descent in gnomAD and has conflicting interpretations of likely benign and uncertain significance in ClinVar (Variation ID: 543741). At this time, the clinical significance of this variant is uncertain due to the absence of conclusive functional and genetic evidence.

Labcorp Genetics (formerly Invitae), Labcorp
Classification: Uncertain significance for Multiple endocrine neoplasia, type 2. Last evaluated: 2026-01-26. Review status: criteria provided, single submitter. Criteria: Invitae Variant Classification Sherloc (09022015). Collection method: clinical testing. Allele origin: germline.
Comment: This sequence change replaces leucine, which is neutral and non-polar, with phenylalanine, which is neutral and non-polar, at codon 1018 of the RET protein (p.Leu1018Phe). This variant is present in population databases (rs766330880, gnomAD 0.01%). This missense change has been observed in individual(s) with medullary thyroid carcinoma (PMID: 33827484). ClinVar contains an entry for this variant (Variation ID: 543741). An algorithm developed to predict the effect of missense changes on protein structure and function (PolyPhen-2) suggests that this variant is likely to be disruptive. In summary, the available evidence is currently insufficient to determine the role of this variant in disease. Therefore, it has been classified as a Variant of Uncertain Significance.

Center for Genomic Medicine, Rigshospitalet, Copenhagen University Hospital
Classification: Uncertain significance. Last evaluated: 2025-03-04. Review status: criteria provided, single submitter. Criteria: ACMG Guidelines, 2015. Collection method: clinical testing. Allele origin: germline.

Blueprint Genetics
Classification: Uncertain significance. Last evaluated: 2024-08-21. Review status: criteria provided, single submitter. Criteria: ACMG Guidelines, 2015. Collection method: clinical testing. Allele origin: germline.

Ambry Genetics
Classification: Likely benign for Hereditary cancer-predisposing syndrome. Last evaluated: 2024-08-13. Review status: criteria provided, single submitter. Criteria: Ambry Variant Classification Scheme 2023. Collection method: clinical testing. Allele origin: germline.

All of Us Research Program, National Institutes of Health
Classification: Uncertain significance for Multiple endocrine neoplasia, type 2. Last evaluated: 2024-07-20. Review status: criteria provided, single submitter. Criteria: ACMG Guidelines, 2015. Collection method: clinical testing. Allele origin: germline. Inheritance: Autosomal dominant inheritance. Observed: 16 variant alleles, 16 heterozygotes.
Comment: This missense variant replaces leucine with phenylalanine at codon 1018 of the RET protein. Computational prediction is inconclusive regarding the impact of this variant on protein structure and function (internally defined REVEL score threshold 0.5 < inconclusive < 0.7, PMID: 27666373). To our knowledge, functional studies have not been reported for this variant. This variant has been reported in an individual affected with medullary thyroid cancer (PMID: 33827484). This variant has been identified in 14/251434 chromosomes in the general population by the Genome Aggregation Database (gnomAD). The available evidence is insufficient to determine the role of this variant in disease conclusively. Therefore, this variant is classified as a Variant of Uncertain Significance.

This study involves interpretation of variants in research participants for the purpose of population health screening. Participant phenotype was not available at the time of variant classification. Additional details can be found in publication PMID: 35346344, PMCID: PMC8962531

Color Diagnostics, LLC DBA Color Health
Classification: Uncertain significance for Multiple endocrine neoplasia, type 2. Last evaluated: 2024-04-23. Review status: criteria provided, single submitter. Criteria: ACMG Guidelines, 2015. Collection method: clinical testing. Allele origin: germline.
Comment: This missense variant replaces leucine with phenylalanine at codon 1018 of the RET protein. Computational prediction is inconclusive regarding the impact of this variant on protein structure and function. To our knowledge, functional studies have not been reported for this variant. This variant has been reported in an individual affected with medullary thyroid cancer (PMID: 33827484). This variant has been identified in 14/251434 chromosomes in the general population by the Genome Aggregation Database (gnomAD). The available evidence is insufficient to determine the role of this variant in disease conclusively. Therefore, this variant is classified as a Variant of Uncertain Significance.

Baylor Genetics
Classification: Uncertain significance for Hirschsprung disease, susceptibility to, 1. Last evaluated: 2024-01-05. Review status: criteria provided, single submitter. Criteria: ACMG Guidelines, 2015. Collection method: clinical testing. Allele origin: unknown.

GeneDx
Classification: Uncertain significance. Last evaluated: 2023-07-21. Review status: criteria provided, single submitter. Criteria: GeneDx Variant Classification Process June 2021. Collection method: clinical testing. Allele origin: germline. Affected: yes.
Comment: In silico analysis supports that this missense variant has a deleterious effect on protein structure/function; This variant is associated with the following publications: (PMID: 14633923, 33827484)

Mendelics
Classification: Uncertain significance for Multiple endocrine neoplasia, type 2a. Last evaluated: 2018-07-02. Review status: criteria provided, single submitter. Criteria: Mendelics Assertion Criteria 2017. Collection method: clinical testing. Allele origin: unknown.

Illumina Laboratory Services, Illumina
Classification: Uncertain significance for Pheochromocytoma. Last evaluated: 2017-04-27. Review status: criteria provided, single submitter. Criteria: ICSL Variant Classification Criteria 13 December 2019. Collection method: clinical testing. Allele origin: germline.

Illumina Laboratory Services, Illumina
Classification: Uncertain significance for Renal hypodysplasia/aplasia 1. Last evaluated: 2017-04-27. Review status: criteria provided, single submitter. Criteria: ICSL Variant Classification Criteria 13 December 2019. Collection method: clinical testing. Allele origin: germline.

Illumina Laboratory Services, Illumina
Classification: Uncertain significance for Hirschsprung disease, susceptibility to, 1. Last evaluated: 2017-04-27. Review status: criteria provided, single submitter. Criteria: ICSL Variant Classification Criteria 13 December 2019. Collection method: clinical testing. Allele origin: germline.

Illumina Laboratory Services, Illumina
Classification: Likely benign for Multiple endocrine neoplasia. Last evaluated: 2017-04-27. Review status: criteria provided, single submitter. Criteria: ICSL Variant Classification Criteria 13 December 2019. Collection method: clinical testing. Allele origin: germline.
Comment: This variant was observed as part of a predisposition screen in an ostensibly healthy population. A literature search was performed for the gene, cDNA change, and amino acid change (where applicable). No publications were found based on this search. Allele frequency data from public databases allowed determination this variant is unlikely to cause disease. Therefore, this variant is classified as likely benign.

Literature cited by the submitters: PubMed 33827484 (cited by 4 submitters).